The following is an entry in ClinVar:

ClinVar aggregate classification (germline): Pathogenic (1 of 4 stars; one submission).

Conditions:
Primary ciliary dyskinesia. Also called: Ciliary dyskinesia. Identifiers: Orphanet 244, MedGen C0008780, MONDO:0016575, HP:0012265.

Submission:

Labcorp Genetics (formerly Invitae), Labcorp
Classification: Pathogenic for Primary ciliary dyskinesia. Last evaluated: 2022-07-01. Review status: criteria provided, single submitter. Criteria: Invitae Variant Classification Sherloc (09022015). Collection method: clinical testing. Allele origin: germline.
Comment: This variant has not been reported in the literature in individuals affected with DNAI1-related conditions. For these reasons, this variant has been classified as Pathogenic. Algorithms developed to predict the effect of sequence changes on RNA splicing suggest that this variant may disrupt the consensus splice site. This variant is not present in population databases (gnomAD no frequency). This sequence change creates a premature translational stop signal (p.Lys240*) in the DNAI1 gene. It is expected to result in an absent or disrupted protein product. Loss-of-function variants in DNAI1 are known to be pathogenic (PMID: 16858015, 29363216).

Literature cited by the submitters: PubMed 16858015; PubMed 29363216.

NM_012144.4(DNAI1):c.718A>T (p.Lys240Ter)

Gene: DNAI1 (dynein axonemal intermediate chain 1; plus strand). Cytogenetic location: 9p13.3.
Variant type: single nucleotide variant.
Coding change: c.718A>T on transcript NM_012144.4 (MANE Select); coding-DNA position 718, A replaced by T.
Protein change: p.Lys240Ter; replaces lysine 240 with a stop codon.
Molecular consequence: nonsense.
Genome position (GRCh38, 1-based): chr9:34,493,230, A>T. VCF-style: chr9-34493230-A-T. GRCh37 (hg19) VCF-style: chr9-34493228-A-T.
Other names: c.730A>T, p.Lys244Ter (NM_001281428.2); short protein forms K244*, K240*.
Identifiers: ClinVar variation 2012973 (VCV002012973.4), dbSNP rs2492044745, ClinGen allele CA373249072.